The following is an entry in ClinVar:

ClinVar aggregate classification (germline): Uncertain significance (1 of 4 stars; one submission).

Conditions:
Hereditary cancer-predisposing syndrome. Also called: Hereditary Cancer Syndrome; Hereditary neoplastic syndrome; Neoplastic Syndromes, Hereditary; Tumor predisposition. Identifiers: Orphanet 140162, MedGen C0027672, MeSH D009386, MONDO:0015356.

Submission:

Ambry Genetics
Classification: Uncertain significance for Hereditary cancer-predisposing syndrome. Last evaluated: 2025-07-08. Review status: criteria provided, single submitter. Criteria: Ambry Variant Classification Scheme 2023. Collection method: clinical testing. Allele origin: germline.
Comment: The p.T395P variant (also known as c.1183A>C), located in coding exon 8 of the FH gene, results from an A to C substitution at nucleotide position 1183. The threonine at codon 395 is replaced by proline, an amino acid with highly similar properties. This amino acid position is highly conserved in available vertebrate species. In addition, this alteration is predicted to be deleterious by in silico analysis. Based on the available evidence, the clinical significance of this variant remains unclear.

NM_000143.4(FH):c.1183A>C (p.Thr395Pro)

Gene: FH (fumarate hydratase; minus strand). Cytogenetic location: 1q43.
Variant type: single nucleotide variant.
Coding change: c.1183A>C on transcript NM_000143.4 (MANE Select); coding-DNA position 1183, A replaced by C.
Protein change: p.Thr395Pro; replaces threonine 395 with proline.
Molecular consequence: missense variant.
Genome position (GRCh38, 1-based): chr1:241,502,496, T>G on the plus strand (A>C on the coding strand, the complement: FH is on the minus strand). VCF-style: chr1-241502496-T-G. GRCh37 (hg19) VCF-style: chr1-241665796-T-G.
Other names: short protein forms T395P.
Identifiers: ClinVar variation 4257332 (VCV004257332.1).
Genomic context (GRCh38, chr1:241,502,496, plus strand): 5'-AGCTTACCATCATTGGCTTGAAAACATTCAACTCAAAATGTCCATTGCTGCCTCCGACAG[T>G]GACAGCAACATGGTTCCCCATGACTTGGGCTGCAACCATGGTCATTGCTTCACACTGAGT-3'
Protein context (NP_000134.2, residues 385-405): AQVMGNHVAV[Thr395Pro]VGGSNGHFEL